The following is an entry in ClinVar:

ClinVar aggregate classification (germline): Pathogenic (1 of 4 stars; one submission).

Submission:

Ambry Genetics
Classification: Pathogenic. Last evaluated: 2026-06-03. Review status: criteria provided, single submitter. Criteria: Ambry Variant Classification Scheme 2023. Collection method: clinical testing. Allele origin: germline.
Comment: The c.1269delG variant, located in coding exon 1 of the MLH3 gene, results from a deletion of one nucleotide at nucleotide position 1269, causing a translational frameshift with a predicted alternate stop codon (p.S424Vfs*30). This variant is considered to be rare based on population cohorts in the Genome Aggregation Database (gnomAD). This alteration is expected to result in loss of function by premature protein truncation or nonsense-mediated mRNA decay. As such, this alteration is interpreted as a disease-causing mutation.

NM_001040108.2(MLH3):c.1269del (p.Ser424fs)

Gene: MLH3 (mutL homolog 3; minus strand). Cytogenetic location: 14q24.3.
Variant type: Deletion.
Coding change: c.1269del on transcript NM_001040108.2 (MANE Select); coding-DNA position 1269, one base deleted (G; older notation c.1269delG).
Protein change: p.Ser424fs; shifts the reading frame from serine 424.
Molecular consequence: frameshift variant.
Genome position (GRCh38, 1-based): chr14:75,048,387, C deleted on the plus strand (G on the coding strand, the reverse complement: MLH3 is on the minus strand). VCF-style (leftmost placement, unchanged base first): chr14-75048386-TC-T. GRCh37 (hg19) VCF-style: chr14-75515089-TC-T.
Other names: c.1269del, p.Ser424fs (NM_014381.3); short protein forms S424fs.
Identifiers: ClinVar variation 4055464 (VCV004055464.2).